The following is an entry in ClinVar:

ClinVar aggregate classification (germline): Uncertain significance (1 of 4 stars; one submission).

Conditions:
Long QT syndrome (LQTS). Identifiers: MedGen C0023976, MeSH D008133, MONDO:0002442. Disease mechanism: loss of function. Inheritance: Various modes of inheritance.

Allele frequency attached by ClinVar (database versions not stated): TOPMed below 0.00001.

Submission:

Labcorp Genetics (formerly Invitae), Labcorp
Classification: Uncertain significance for Long QT syndrome. Last evaluated: 2024-04-17. Review status: criteria provided, single submitter. Criteria: Invitae Variant Classification Sherloc (09022015). Collection method: clinical testing. Allele origin: germline.
Comment: This sequence change replaces cysteine, which is neutral and slightly polar, with serine, which is neutral and polar, at codon 62 of the AKAP9 protein (p.Cys62Ser). This variant is not present in population databases (gnomAD no frequency). This variant has not been reported in the literature in individuals affected with AKAP9-related conditions. ClinVar contains an entry for this variant (Variation ID: 1368177). Algorithms developed to predict the effect of missense changes on protein structure and function output the following: SIFT: "Not Available"; PolyPhen-2: "Benign"; Align-GVGD: "Not Available". The serine amino acid residue is found in multiple mammalian species, which suggests that this missense change does not adversely affect protein function. In summary, the available evidence is currently insufficient to determine the role of this variant in disease. Therefore, it has been classified as a Variant of Uncertain Significance.

NM_005751.5(AKAP9):c.185G>C (p.Cys62Ser)

Gene: AKAP9 (A-kinase anchoring protein 9; plus strand). Cytogenetic location: 7q21.2.
Variant type: single nucleotide variant.
Coding change: c.185G>C on transcript NM_005751.5 (MANE Select); coding-DNA position 185, G replaced by C.
Protein change: p.Cys62Ser; replaces cysteine 62 with serine.
Molecular consequence: missense variant.
Genome position (GRCh38, 1-based): chr7:91,973,847, G>C. VCF-style: chr7-91973847-G-C. GRCh37 (hg19) VCF-style: chr7-91603161-G-C.
Other names: c.185G>C, p.Cys62Ser (NM_147185.3); short protein forms C62S.
Identifiers: ClinVar variation 1368177 (VCV001368177.6), dbSNP rs1433559893, ClinGen allele CA368118647.
Genomic context (GRCh38, chr7:91,973,847, plus strand): 5'-CGTCAAGCAGTAAACATGATGTGTCAGCACACCATGATTTGAATATTGATCAATCACAGT[G>C]TAATGAAATGTACATAAATAGTTCTCAGAGAGTAGAATCAACTGTGATTCCTGAATCTAC-3'
Protein context (NP_005742.4, residues 52-72): HHDLNIDQSQ[Cys62Ser]NEMYINSSQR